The following is an entry in ClinVar:

NM_138927.4(SON):c.242C>T (p.Pro81Leu)

Gene: SON (SON DNA and RNA binding protein; plus strand). Cytogenetic location: 21q22.11.
Variant type: single nucleotide variant.
Coding change: c.242C>T on transcript NM_138927.4 (MANE Select); coding-DNA position 242, C replaced by T.
Protein change: p.Pro81Leu; replaces proline 81 with leucine.
Molecular consequence: missense variant. On other transcripts: non-coding transcript variant (1).
Genome position (GRCh38, 1-based): chr21:33,546,377, C>T. VCF-style: chr21-33546377-C-T. GRCh37 (hg19) VCF-style: chr21-34918683-C-T.
Other names: c.242C>T, p.Pro81Leu (NM_001291411.2, NM_001291412.3, NM_001412132.1 and 4 more transcripts); short protein forms P81L.
Identifiers: ClinVar variation 2577605 (VCV002577605.1), dbSNP rs2517327696, ClinGen allele CA410149548.

ClinVar aggregate classification (germline): Uncertain significance (1 of 4 stars; one submission).

Submission:

GeneDx
Classification: Uncertain significance. Last evaluated: 2023-02-06. Review status: criteria provided, single submitter. Criteria: GeneDx Variant Classification Process June 2021. Collection method: clinical testing. Allele origin: germline. Affected: yes.
Comment: Not observed at significant frequency in large population cohorts (gnomAD); In silico analysis supports that this missense variant has a deleterious effect on protein structure/function; Has not been previously published as pathogenic or benign to our knowledge